The following is an entry in ClinVar:

ClinVar aggregate classification (germline): Benign. Review status: criteria provided, multiple submitters, no conflicts (2 of 4 stars). 2 submissions from 2 submitters: Benign (2). Last evaluated 2026-01-23.

Conditions:
Diabetes insipidus, nephrogenic, X-linked. Also called: Nephrogenic Diabetes Insipidus, Type I. Identifiers: Orphanet 223, MedGen C1563705, MONDO:0010581, OMIM 304800.

Allele frequency attached by ClinVar (database versions not stated): gnomAD 0.00005 and 0.00007; gnomAD exomes 0.00008 and 0.00022; ExAC 0.00012; TOPMed 0.00015; 1000 Genomes Project 0.00079; 1000 Genomes Project 30x 0.00083.
gnomAD v4.1: 110 of 1,210,591 alleles (0.0091%); highest among the groups gnomAD compares: Middle Eastern, 0.14%; no homozygotes.

Submissions (2):

Labcorp Genetics (formerly Invitae), Labcorp
Classification: Benign. Last evaluated: 2026-01-23. Review status: criteria provided, single submitter. Criteria: Invitae Variant Classification Sherloc (09022015). Collection method: clinical testing. Allele origin: germline.

Illumina Laboratory Services, Illumina
Classification: Benign for Diabetes insipidus, nephrogenic, X-linked. Last evaluated: 2018-01-12. Review status: criteria provided, single submitter. Criteria: ICSL Variant Classification Criteria 13 December 2019. Collection method: clinical testing. Allele origin: germline.
Comment: This variant was observed in the ICSL laboratory as part of a predisposition screen in an ostensibly healthy population. It had not been previously curated by ICSL or reported in the Human Gene Mutation Database (HGMD: prior to June 1st, 2018), and was therefore a candidate for classification through an automated scoring system. Utilizing variant allele frequency, disease prevalence and penetrance estimates, and inheritance mode, an automated score was calculated to assess if this variant is too frequent to cause the disease. Based on the score and internal cut-off values, a variant classified as benign is not then subjected to further curation. The score for this variant resulted in a classification of benign for this disease.

NM_000054.7(AVPR2):c.546C>T (p.Asn182=)

Gene: AVPR2 (arginine vasopressin receptor 2; plus strand). Cytogenetic location: Xq28.
Variant type: single nucleotide variant.
Coding change: c.546C>T on transcript NM_000054.7 (MANE Select); coding-DNA position 546, C replaced by T.
Protein change: p.Asn182=; no amino-acid change (asparagine 182 retained).
Molecular consequence: synonymous variant. On other transcripts: non-coding transcript variant (1).
Genome position (GRCh38, 1-based): chrX:153,906,052, C>T. VCF-style: chrX-153906052-C-T. GRCh37 (hg19) VCF-style: chrX-153171506-C-T.
Other names: c.546C>T, p.Asn182= (NM_001146151.3).
Identifiers: ClinVar variation 763993 (VCV000763993.11), dbSNP rs13306213, ClinGen allele CA10555026.
Genomic context (GRCh38, chrX:153,906,052, plus strand): 5'-GGCTTGGGCCTTCTCGCTCCTTCTCAGCCTGCCCCAGCTCTTCATCTTCGCCCAGCGCAA[C>T]GTGGAAGGTGGCAGCGGGGTCACTGACTGCTGGGCCTGCTTTGCGGAGCCCTGGGGCCGT-3'
Protein context (NP_000045.1, residues 172-192): LPQLFIFAQR[Asn182=]VEGGSGVTDC